The following is an entry in ClinVar:

NM_020719.3(PRR12):c.3323C>T (p.Ala1108Val)

Gene: PRR12 (proline rich 12; plus strand). Cytogenetic location: 19q13.33.
Variant type: single nucleotide variant.
Coding change: c.3323C>T on transcript NM_020719.3 (MANE Select); coding-DNA position 3323, C replaced by T.
Protein change: p.Ala1108Val; replaces alanine 1108 with valine.
Molecular consequence: missense variant.
Genome position (GRCh38, 1-based): chr19:49,597,658, C>T. VCF-style: chr19-49597658-C-T. GRCh37 (hg19) VCF-style: chr19-50100915-C-T.
Other names: short protein forms A1108V.
Identifiers: ClinVar variation 3360119 (VCV003360119.2).
Genomic context (GRCh38, chr19:49,597,658, plus strand): 5'-TCCAGACCCCCAAGAAGCTGTACGCCCAGGAGTACGAGTTCGAGGCGGACGAGGACAAGG[C>T]CGATGTTCCCGCCGACATCCGCCTCAACCCCCGGCGCTTGCCTGACCTGGTCTCCAGCTG-3'
Protein context (NP_065770.1, residues 1098-1118): EYEFEADEDK[Ala1108Val]DVPADIRLNP

ClinVar aggregate classification (germline): Uncertain significance (1 of 4 stars; one submission).

gnomAD v4.1: 5 of 1,605,154 alleles (0.00031%); highest among the groups gnomAD compares: Non-Finnish European, 0.00042%; no homozygotes.

Submission:

GeneDx
Classification: Uncertain significance. Last evaluated: 2025-03-17. Review status: criteria provided, single submitter. Criteria: GeneDx Variant Classification Process June 2021. Collection method: clinical testing. Allele origin: germline.
Comment: Not observed at significant frequency in large population cohorts (gnomAD); In silico analysis indicates that this missense variant does not alter protein structure/function; Has not been previously published as pathogenic or benign to our knowledge